The following is an entry in ClinVar:

ClinVar aggregate classification (germline): Uncertain significance. Review status: criteria provided, multiple submitters, no conflicts (2 of 4 stars). 2 submissions from 2 submitters: Uncertain significance (2). Last evaluated 2025-05-12.

Allele frequency attached by ClinVar (database versions not stated): TOPMed 0.00003; gnomAD 0.00011 and 0.00012; ExAC 0.00015.
gnomAD v4.1: 112 of 1,613,428 alleles (0.0069%); highest among the groups gnomAD compares: Admixed American, 0.0017%; no homozygotes.

Submissions (2):

Labcorp Genetics (formerly Invitae), Labcorp
Classification: Uncertain significance. Last evaluated: 2025-05-12. Review status: criteria provided, single submitter. Criteria: Invitae Variant Classification Sherloc (09022015). Collection method: clinical testing. Allele origin: germline.
Comment: This sequence change replaces leucine, which is neutral and non-polar, with phenylalanine, which is neutral and non-polar, at codon 2040 of the MPDZ protein (p.Leu2040Phe). This variant is present in population databases (rs762562059, gnomAD 0.1%). This variant has not been reported in the literature in individuals affected with MPDZ-related conditions. ClinVar contains an entry for this variant (Variation ID: 1409443). An algorithm developed to predict the effect of missense changes on protein structure and function (PolyPhen-2) suggests that this variant is likely to be disruptive. In summary, the available evidence is currently insufficient to determine the role of this variant in disease. Therefore, it has been classified as a Variant of Uncertain Significance.

Blueprint Genetics
Classification: Uncertain significance. Last evaluated: 2024-04-16. Review status: criteria provided, single submitter. Criteria: ACMG Guidelines, 2015. Collection method: clinical testing. Allele origin: germline.

NM_001378778.1(MPDZ):c.6205C>T (p.Leu2069Phe)

Gene: MPDZ (multiple PDZ domain crumbs cell polarity complex component; minus strand). Cytogenetic location: 9p23.
Variant type: single nucleotide variant.
Coding change: c.6205C>T on transcript NM_001378778.1 (MANE Select); coding-DNA position 6205, C replaced by T.
Protein change: p.Leu2069Phe; replaces leucine 2069 with phenylalanine.
Molecular consequence: missense variant.
Genome position (GRCh38, 1-based): chr9:13,106,973, G>A on the plus strand (C>T on the coding strand, the complement: MPDZ is on the minus strand). VCF-style: chr9-13106973-G-A. GRCh37 (hg19) VCF-style: chr9-13106972-G-A.
Other names: c.6106C>T, p.Leu2036Phe (NM_001261406.2, NM_001375416.1, NM_001375417.1 and 1 more transcripts); c.6019C>T, p.Leu2007Phe (NM_001261407.2, NM_001375419.1); c.6205C>T, p.Leu2069Phe (NM_001330637.2); c.6304C>T, p.Leu2102Phe (NM_001375413.1); c.5995C>T, p.Leu1999Phe (NM_001375420.1, NM_001375421.1, NM_001375422.1 and 2 more transcripts); c.5908C>T, p.Leu1970Phe (NM_001375425.1, NM_001375426.1); c.5797C>T, p.Leu1933Phe (NM_001375427.1); c.6118C>T, p.Leu2040Phe (NM_003829.5); short protein forms L1999F, L2069F, L2102F, L1933F, L2007F, L2036F, L2040F, L1970F.
Identifiers: ClinVar variation 1409443 (VCV001409443.7), dbSNP rs762562059, ClinGen allele CA4985926.
Genomic context (GRCh38, chr9:13,106,973, plus strand): 5'-TTACAGTAGGAGGTGAGCTAGGGGTTGGGTTGGTTCAATTCTGGCAGCCAATTCAAGAGA[G>A]AACCATCAAAGTGACAGTGCCTTTTGTCCGTTTAAGGATGGCAACAGCTTCTTCATGGGT-3'
Protein context (NP_001365707.1, residues 2059-2070): RTKGTVTLMV[Leu2069Phe]S